The following is an entry in ClinVar:

ClinVar aggregate classification (germline): Benign/Likely benign. Review status: criteria provided, multiple submitters, no conflicts (2 of 4 stars). 5 submissions from 5 submitters: Benign (2); Likely benign (3). Last evaluated 2026-08-05.

Conditions:
Hereditary pheochromocytoma and paraganglioma. Also called: Hereditary paragangliomas and pheochromocytomas; Hereditary Paraganglioma-Pheochromocytoma Syndromes; Hereditary pheochromocytoma-paraganglioma. Identifiers: Orphanet 29072, MedGen C4274332, MONDO:0017366.
Pheochromocytoma/paraganglioma syndrome 2. Also called: SDHAF2-Related Hereditary Paraganglioma-Pheochromocytoma Syndrome (Paragangliomas 2); Paragangliomas 2; SDHAF2-Related Hereditary Paraganglioma-Pheochromocytoma Syndrome; GLOMUS TUMORS, FAMILIAL, 2. Identifiers: Orphanet 29072, MedGen C1866552, MONDO:0011121, OMIM 601650.
Hereditary cancer-predisposing syndrome. Also called: Tumor predisposition; Neoplastic Syndromes, Hereditary; Hereditary Cancer Syndrome; Hereditary neoplastic syndrome. Identifiers: Orphanet 140162, MedGen C0027672, MeSH D009386, MONDO:0015356.

Allele frequency attached by ClinVar (database versions not stated): ExAC 0.00002; TOPMed 0.00005; gnomAD 0.00008.

Submissions (5):

Myriad Genetics, Inc.
Classification: Benign for Pheochromocytoma/paraganglioma syndrome 2. Last evaluated: 2026-08-05. Review status: criteria provided, single submitter. Criteria: Myriad Autosomal Dominant, Autosomal Recessive and X-Linked Classification Criteria (2023). Collection method: clinical testing. Allele origin: unknown.
Comment: This variant is considered benign. This variant is a silent/synonymous amino acid change and it is not expected to impact splicing.

Labcorp Genetics (formerly Invitae), Labcorp
Classification: Likely benign for Hereditary pheochromocytoma and paraganglioma. Last evaluated: 2025-12-04. Review status: criteria provided, single submitter. Criteria: Invitae Variant Classification Sherloc (09022015). Collection method: clinical testing. Allele origin: germline.

Quest Diagnostics Nichols Institute San Juan Capistrano
Classification: Benign. Last evaluated: 2025-04-23. Review status: criteria provided, single submitter. Criteria: Quest Diagnostics criteria. Collection method: clinical testing. Allele origin: unknown.

Color Diagnostics, LLC DBA Color Health
Classification: Likely benign for Hereditary pheochromocytoma and paraganglioma. Last evaluated: 2022-11-06. Review status: criteria provided, single submitter. Criteria: ACMG Guidelines, 2015. Collection method: clinical testing. Allele origin: germline.

Ambry Genetics
Classification: Likely benign for Hereditary cancer-predisposing syndrome. Last evaluated: 2016-06-13. Review status: criteria provided, single submitter. Criteria: Ambry Variant Classification Scheme 2023. Collection method: clinical testing. Allele origin: germline.

NM_017841.4(SDHAF2):c.330C>T (p.Asn110=)

Gene: SDHAF2 (succinate dehydrogenase complex assembly factor 2; plus strand). Cytogenetic location: 11q12.2.
Variant type: single nucleotide variant.
Coding change: c.330C>T on transcript NM_017841.4 (MANE Select); coding-DNA position 330, C replaced by T.
Protein change: p.Asn110=; no amino-acid change (asparagine 110 retained).
Molecular consequence: synonymous variant.
Genome position (GRCh38, 1-based): chr11:61,438,073, C>T. VCF-style: chr11-61438073-C-T. GRCh37 (hg19) VCF-style: chr11-61205545-C-T.
Identifiers: ClinVar variation 486413 (VCV000486413.16), dbSNP rs779335034, ClinGen allele CA058480.
Genomic context (GRCh38, chr11:61,438,073, plus strand): 5'-TAAAGAACATCTGCAGCACATGACAGAAAAGCAGCTGAACCTCTATGACCGCCTGATTAA[C>T]GAGCCTAGTAATGACTGGGATATTTACTACTGGGCCACAGGTACTGGGTATGATAAGCAG-3'
Protein context (NP_060311.1, residues 100-120): KQLNLYDRLI[Asn110=]EPSNDWDIYY